The following is an entry in ClinVar:

NM_005220.3(DLX3):c.402G>A (p.Thr134=)

Gene: DLX3 (distal-less homeobox 3; minus strand). Cytogenetic location: 17q21.33.
Variant type: single nucleotide variant.
Coding change: c.402G>A on transcript NM_005220.3 (MANE Select); coding-DNA position 402, G replaced by A.
Protein change: p.Thr134=; no amino-acid change (threonine 134 retained).
Molecular consequence: synonymous variant.
Genome position (GRCh38, 1-based): chr17:49,993,514, C>T on the plus strand (G>A on the coding strand, the complement: DLX3 is on the minus strand). VCF-style: chr17-49993514-C-T. GRCh37 (hg19) VCF-style: chr17-48070878-C-T.
Identifiers: ClinVar variation 259676 (VCV000259676.21), dbSNP rs2303466, ClinGen allele CA8641031.
Genomic context (GRCh38, chr17:49,993,514, plus strand): 5'-CAGGTACTGGGCCTTCTGGAAGCGGCGCTGCAGGGCGGCCAGCTGGTAGCTGGAGTAGAT[C>T]GTACGCGGCTTTCGGACCTTCTTGGGCTTCCCATTCACCATGCGCACCTCTGCTTCCGGC-3'
Protein context (NP_005211.1, residues 124-144): GKPKKVRKPR[Thr134=]IYSSYQLAAL

ClinVar aggregate classification (germline): Benign. Review status: criteria provided, multiple submitters, no conflicts (2 of 4 stars). 8 submissions from 7 submitters: Benign (8). Last evaluated 2026-02-03.

Conditions:
Tricho-dento-osseous syndrome (TDO). Also called: TDO SYNDROME. Identifiers: Orphanet 3352, MedGen C0265333, MONDO:0008592, OMIM 190320.
Hypomaturation-hypoplastic amelogenesis imperfecta with taurodontism. Also called: Amelogenesis imperfecta, type IV. Identifiers: Orphanet 100034, Orphanet 88661, MedGen C1863012, MONDO:0007093, OMIM 104510. Disease mechanism: loss of function.

Allele frequency attached by ClinVar (database versions not stated): ESP Exome Variant Server 0.16469; TOPMed 0.17847; gnomAD 0.18221 and 0.18510; gnomAD exomes 0.18783 and 0.20719; ExAC 0.21171; 1000 Genomes Project 30x 0.21502; 1000 Genomes Project 0.22644.
gnomAD v4.1: 303,408 of 1,613,220 alleles (19%); highest among the groups gnomAD compares: East Asian, 50%; 31,782 homozygotes.

Submissions (8):

Labcorp Genetics (formerly Invitae), Labcorp
Classification: Benign. Last evaluated: 2026-02-03. Review status: criteria provided, single submitter. Criteria: Invitae Variant Classification Sherloc (09022015). Collection method: clinical testing. Allele origin: germline.

Blueprint Genetics
Classification: Benign. Last evaluated: 2024-11-28. Review status: criteria provided, single submitter. Criteria: ACMG Guidelines, 2015. Collection method: clinical testing. Allele origin: germline.

Genome-Nilou Lab
Classification: Benign for Hypomaturation-hypoplastic amelogenesis imperfecta with taurodontism. Last evaluated: 2021-07-30. Review status: criteria provided, single submitter. Criteria: ACMG Guidelines, 2015. Collection method: clinical testing. Allele origin: germline. Affected: no.

Genome-Nilou Lab
Classification: Benign for Tricho-dento-osseous syndrome. Last evaluated: 2021-07-30. Review status: criteria provided, single submitter. Criteria: ACMG Guidelines, 2015. Collection method: clinical testing. Allele origin: germline. Affected: no.

GeneDx
Classification: Benign. Last evaluated: 2018-11-10. Review status: criteria provided, single submitter. Criteria: GeneDx Variant Classification Process June 2021. Collection method: clinical testing. Allele origin: germline. Affected: yes.

Illumina Laboratory Services, Illumina
Classification: Benign for Hypomaturation-hypoplastic amelogenesis imperfecta with taurodontism. Last evaluated: 2018-01-13. Review status: criteria provided, single submitter. Criteria: ICSL Variant Classification Criteria 13 December 2019. Collection method: clinical testing. Allele origin: germline.
Comment: This variant was observed in the ICSL laboratory as part of a predisposition screen in an ostensibly healthy population. It had not been previously curated by ICSL or reported in the Human Gene Mutation Database (HGMD: prior to June 1st, 2018), and was therefore a candidate for classification through an automated scoring system. Utilizing variant allele frequency, disease prevalence and penetrance estimates, and inheritance mode, an automated score was calculated to assess if this variant is too frequent to cause the disease. Based on the score and internal cut-off values, a variant classified as benign is not then subjected to further curation. The score for this variant resulted in a classification of benign for this disease.

Breakthrough Genomics
Classification: Benign. Review status: criteria provided, single submitter. Criteria: ACMG Guidelines, 2015. Collection method: not provided. Allele origin: germline. Inheritance: Autosomal dominant inheritance. Affected: yes.

PreventionGenetics, part of Exact Sciences
Classification: Benign. Review status: criteria provided, single submitter. Criteria: ACMG Guidelines, 2015. Collection method: clinical testing. Allele origin: germline.